The following is an entry in ClinVar:

ClinVar aggregate classification (germline): Benign (1 of 4 stars; one submission).

Conditions:
Multiple endocrine neoplasia type 4. Also called: MULTIPLE ENDOCRINE NEOPLASIA, TYPE IV. Identifiers: Orphanet 276152, MedGen C1970712, MONDO:0012552, OMIM 610755.

Allele frequency attached by ClinVar (database versions not stated): gnomAD 0.00638 and 0.00801; gnomAD exomes 0.00903; TOPMed 0.00934; 1000 Genomes Project 30x 0.02780; 1000 Genomes Project 0.03015.
gnomAD v4.1: 1,712 of 206,916 alleles (0.83%); highest among the groups gnomAD compares: East Asian, 11%; 81 homozygotes.

Submission:

Illumina Laboratory Services, Illumina
Classification: Benign for Multiple endocrine neoplasia type 4. Last evaluated: 2018-01-13. Review status: criteria provided, single submitter. Criteria: ICSL Variant Classification Criteria 13 December 2019. Collection method: clinical testing. Allele origin: germline.
Comment: This variant was observed in the ICSL laboratory as part of a predisposition screen in an ostensibly healthy population. It had not been previously curated by ICSL or reported in the Human Gene Mutation Database (HGMD: prior to June 1st, 2018), and was therefore a candidate for classification through an automated scoring system. Utilizing variant allele frequency, disease prevalence and penetrance estimates, and inheritance mode, an automated score was calculated to assess if this variant is too frequent to cause the disease. Based on the score and internal cut-off values, a variant classified as benign is not then subjected to further curation. The score for this variant resulted in a classification of benign for this disease.

NM_004064.5(CDKN1B):c.*501G>A

Gene: CDKN1B (cyclin dependent kinase inhibitor 1B; plus strand). Cytogenetic location: 12p13.1.
Variant type: single nucleotide variant.
Coding change: c.*501G>A on transcript NM_004064.5 (MANE Select); 501 bases downstream of the stop codon, G replaced by A.
Molecular consequence: 3 prime UTR variant.
Genome position (GRCh38, 1-based): chr12:12,721,528, G>A. VCF-style: chr12-12721528-G-A. GRCh37 (hg19) VCF-style: chr12-12874462-G-A.
Identifiers: ClinVar variation 307681 (VCV000307681.5), dbSNP rs4251697, ClinGen allele CA10641344.